The following is an entry in ClinVar:

NM_001145319.2(PLS1):c.1513T>C (p.Leu505=)

Gene: PLS1 (plastin 1; plus strand). Cytogenetic location: 3q23.
Variant type: single nucleotide variant.
Coding change: c.1513T>C on transcript NM_001145319.2 (MANE Select); coding-DNA position 1513, T replaced by C.
Protein change: p.Leu505=; no amino-acid change (leucine 505 retained).
Molecular consequence: synonymous variant.
Genome position (GRCh38, 1-based): chr3:142,704,470, T>C. VCF-style: chr3-142704470-T-C. GRCh37 (hg19) VCF-style: chr3-142423312-T-C.
Other names: c.1513T>C, p.Leu505= (NM_001172312.2, NM_002670.3).
Identifiers: ClinVar variation 4980361 (VCV004980361.1).

ClinVar aggregate classification (germline): Likely benign (1 of 4 stars; one submission).

Conditions:
PLS1-related disorder. Also called: PLS1-related condition.

gnomAD v4.1: 16 of 1,603,332 alleles (0.001%); highest among the groups gnomAD compares: African/African-American, 0.0081%; no homozygotes.

Submission:

PreventionGenetics, part of Exact Sciences
Classification: Likely benign for PLS1-related condition. Last evaluated: 2026-07-14. Review status: criteria provided, single submitter. Criteria: ACMG Guidelines, 2015. Collection method: clinical testing. Allele origin: germline.
Comment: This variant is classified as likely benign based on ACMG/AMP sequence variant interpretation guidelines (Richards et al. 2015 PMID: 25741868, with internal and published modifications).